The following is an entry in ClinVar:

ClinVar aggregate classification (germline): Uncertain significance (1 of 4 stars; one submission).

Allele frequency attached by ClinVar (database versions not stated): ExAC 0.00001; gnomAD 0.00001; 1000 Genomes Project 0.00020; 1000 Genomes Project 30x 0.00031.

Submission:

Labcorp Genetics (formerly Invitae), Labcorp
Classification: Uncertain significance. Last evaluated: 2023-04-15. Review status: criteria provided, single submitter. Criteria: Invitae Variant Classification Sherloc (09022015). Collection method: clinical testing. Allele origin: germline.
Comment: In summary, the available evidence is currently insufficient to determine the role of this variant in disease. Therefore, it has been classified as a Variant of Uncertain Significance. Advanced modeling of protein sequence and biophysical properties (such as structural, functional, and spatial information, amino acid conservation, physicochemical variation, residue mobility, and thermodynamic stability) performed at Invitae indicates that this missense variant is not expected to disrupt KARS protein function. This variant has not been reported in the literature in individuals affected with KARS-related conditions. This variant is present in population databases (rs199899372, gnomAD 0.003%). This sequence change replaces glutamic acid, which is acidic and polar, with lysine, which is basic and polar, at codon 230 of the KARS protein (p.Glu230Lys).

NM_005548.3(KARS1):c.604G>A (p.Glu202Lys)

Gene: KARS1 (lysyl-tRNA synthetase 1; minus strand). Cytogenetic location: 16q23.1.
Variant type: single nucleotide variant.
Coding change: c.604G>A on transcript NM_005548.3 (MANE Select); coding-DNA position 604, G replaced by A.
Protein change: p.Glu202Lys; replaces glutamic acid 202 with lysine.
Molecular consequence: missense variant.
Genome position (GRCh38, 1-based): chr16:75,635,977, C>T on the plus strand (G>A on the coding strand, the complement: KARS1 is on the minus strand). VCF-style: chr16-75635977-C-T. GRCh37 (hg19) VCF-style: chr16-75669875-C-T.
Other names: c.688G>A, p.Glu230Lys (NM_001130089.2); c.136G>A, p.Glu46Lys (NM_001378148.1); short protein forms E202K, E230K, E46K.
Identifiers: ClinVar variation 2855208 (VCV002855208.3), dbSNP rs199899372, ClinGen allele CA8177566.